The following is an entry in ClinVar:

NM_001386140.1(MTTP):c.1784G>C (p.Arg595Pro)

Gene: MTTP (microsomal triglyceride transfer protein; plus strand). Cytogenetic location: 4q23.
Variant type: single nucleotide variant.
Coding change: c.1784G>C on transcript NM_001386140.1 (MANE Select); coding-DNA position 1784, G replaced by C.
Protein change: p.Arg595Pro; replaces arginine 595 with proline.
Molecular consequence: missense variant.
Genome position (GRCh38, 1-based): chr4:99,611,157, G>C. VCF-style: chr4-99611157-G-C. GRCh37 (hg19) VCF-style: chr4-100532314-G-C.
Other names: c.1784G>C, p.Arg595Pro (NM_000253.4); c.1535G>C, p.Arg512Pro (NM_001300785.2); short protein forms R512P, R595P.
Identifiers: ClinVar variation 2200427 (VCV002200427.2), dbSNP rs746293101, ClinGen allele CA102642875.

ClinVar aggregate classification (germline): Uncertain significance (1 of 4 stars; one submission).

gnomAD v4.1: 21 of 1,613,584 alleles (0.0013%); highest among the groups gnomAD compares: South Asian, 0.0044%; no homozygotes.

Submission:

Labcorp Genetics (formerly Invitae), Labcorp
Classification: Uncertain significance. Last evaluated: 2024-10-26. Review status: criteria provided, single submitter. Criteria: Invitae Variant Classification Sherloc (09022015). Collection method: clinical testing. Allele origin: germline.
Comment: This sequence change replaces arginine, which is basic and polar, with proline, which is neutral and non-polar, at codon 595 of the MTTP protein (p.Arg595Pro). This variant is present in population databases (no rsID available, gnomAD 0.003%). This variant has not been reported in the literature in individuals affected with MTTP-related conditions. ClinVar contains an entry for this variant (Variation ID: 2200427). Invitae Evidence Modeling of protein sequence and biophysical properties (such as structural, functional, and spatial information, amino acid conservation, physicochemical variation, residue mobility, and thermodynamic stability) indicates that this missense variant is not expected to disrupt MTTP protein function with a negative predictive value of 80%. In summary, the available evidence is currently insufficient to determine the role of this variant in disease. Therefore, it has been classified as a Variant of Uncertain Significance.